The following is an entry in ClinVar:

ClinVar aggregate classification (germline): Uncertain significance. Review status: criteria provided, multiple submitters, no conflicts (2 of 4 stars). 3 submissions from 3 submitters: Uncertain significance (3). Last evaluated 2025-10-13.

Conditions:
ABCC9-related disorder. Also called: ABCC9-related condition; ABCC9-related disorders.
Dilated cardiomyopathy 1O (CMD1O). Also called: CARDIOMYOPATHY, DILATED, WITH VENTRICULAR TACHYCARDIA. Identifiers: Orphanet 154, MedGen C1837839, MONDO:0012062, OMIM 608569.

Allele frequency attached by ClinVar (database versions not stated): gnomAD exomes below 0.00001; TOPMed 0.00002.
gnomAD v4.1: 4 of 1,613,154 alleles (0.00025%); highest among the groups gnomAD compares: Non-Finnish European, 0.00034%; no homozygotes.

Submissions (3):

Women's Health and Genetics/Laboratory Corporation of America, LabCorp
Classification: Uncertain significance. Last evaluated: 2025-10-13. Review status: criteria provided, single submitter. Criteria: LabCorp Variant Classification Summary - May 2015. Collection method: clinical testing. Allele origin: germline.

Labcorp Genetics (formerly Invitae), Labcorp
Classification: Uncertain significance for Dilated cardiomyopathy 1O. Last evaluated: 2023-08-23. Review status: criteria provided, single submitter. Criteria: Invitae Variant Classification Sherloc (09022015). Collection method: clinical testing. Allele origin: germline.
Comment: In summary, the available evidence is currently insufficient to determine the role of this variant in disease. Therefore, it has been classified as a Variant of Uncertain Significance. Advanced modeling of protein sequence and biophysical properties (such as structural, functional, and spatial information, amino acid conservation, physicochemical variation, residue mobility, and thermodynamic stability) performed at Invitae indicates that this missense variant is expected to disrupt ABCC9 protein function. ClinVar contains an entry for this variant (Variation ID: 410816). This variant has not been reported in the literature in individuals affected with ABCC9-related conditions. This variant is not present in population databases (gnomAD no frequency). This sequence change replaces threonine, which is neutral and polar, with isoleucine, which is neutral and non-polar, at codon 803 of the ABCC9 protein (p.Thr803Ile).

PreventionGenetics, part of Exact Sciences
Classification: Uncertain significance for ABCC9-related condition. Last evaluated: 2022-09-14. Review status: criteria provided, single submitter. Criteria: ACMG Guidelines, 2015. Collection method: clinical testing. Allele origin: germline.
Comment: The ABCC9 c.2408C>T variant is predicted to result in the amino acid substitution p.Thr803Ile. To our knowledge, this variant has not been reported in the literature or in a large population database, indicating this variant is rare. At this time, the clinical significance of this variant is uncertain due to the absence of conclusive functional and genetic evidence.

NM_020297.4(ABCC9):c.2408C>T (p.Thr803Ile)

Gene: ABCC9 (ATP binding cassette subfamily C member 9; minus strand). Cytogenetic location: 12p12.1.
Variant type: single nucleotide variant.
Coding change: c.2408C>T on transcript NM_020297.4 (MANE Select); coding-DNA position 2408, C replaced by T.
Protein change: p.Thr803Ile; replaces threonine 803 with isoleucine.
Molecular consequence: missense variant.
Genome position (GRCh38, 1-based): chr12:21,860,987, G>A on the plus strand (C>T on the coding strand, the complement: ABCC9 is on the minus strand). VCF-style: chr12-21860987-G-A. GRCh37 (hg19) VCF-style: chr12-22013921-G-A.
Other names: c.2408C>T, p.Thr803Ile (NM_001377273.1, NM_005691.4); c.1541C>T, p.Thr514Ile (NM_001377274.1); c.2408C>T (NM_020297.3); short protein forms T803I, T514I.
Identifiers: ClinVar variation 410816 (VCV000410816.10), dbSNP rs997660720, ClinGen allele CA16613772.